The following is an entry in ClinVar:

ClinVar aggregate classification (germline): Likely pathogenic. Review status: criteria provided, multiple submitters, no conflicts (2 of 4 stars). 2 submissions from 2 submitters: Likely pathogenic (2). Last evaluated 2026-05-18.

Conditions:
Developmental and epileptic encephalopathy, 11 (DEE11). Also called: Early infantile epileptic encephalopathy 11. Identifiers: Orphanet 1934, MedGen C3150987, MONDO:0013388, OMIM 613721.
Seizures, benign familial infantile, 3 (BFIS3). Also called: Familial neonatal seizures; CONVULSIONS, BENIGN FAMILIAL INFANTILE, 3. Identifiers: Orphanet 140927, Orphanet 306, MedGen C1843140, MONDO:0011904, OMIM 607745.

Submissions (2):

Institute of Human Genetics, University of Leipzig Medical Center
Classification: Likely pathogenic for Developmental and epileptic encephalopathy, 11. Last evaluated: 2026-05-18. Review status: criteria provided, single submitter. Criteria: ACMG Guidelines, 2015. Collection method: clinical testing. Allele origin: unknown. Inheritance: Autosomal dominant inheritance. Affected: yes.
Comment: Criteria applied: PM5_STR,PM2_SUP,PP3

Labcorp Genetics (formerly Invitae), Labcorp
Classification: Likely pathogenic for Seizures, benign familial infantile, 3; Developmental and epileptic encephalopathy, 11. Last evaluated: 2024-05-15. Review status: criteria provided, single submitter. Criteria: Invitae Variant Classification Sherloc (09022015). Collection method: clinical testing. Allele origin: germline.
Comment: This sequence change replaces methionine, which is neutral and non-polar, with isoleucine, which is neutral and non-polar, at codon 1879 of the SCN2A protein (p.Met1879Ile). This variant is not present in population databases (gnomAD no frequency). This variant has not been reported in the literature in individuals affected with SCN2A-related conditions. Advanced modeling of protein sequence and biophysical properties (such as structural, functional, and spatial information, amino acid conservation, physicochemical variation, residue mobility, and thermodynamic stability) performed at Invitae indicates that this missense variant is expected to disrupt SCN2A protein function with a positive predictive value of 95%. This variant disrupts the p.Met1879 amino acid residue in SCN2A. Other variant(s) that disrupt this residue have been determined to be pathogenic (PMID: 27779742, 32750235, 34055682; Invitae). This suggests that this residue is clinically significant, and that variants that disrupt this residue are likely to be disease-causing. In summary, the currently available evidence indicates that the variant is pathogenic, but additional data are needed to prove that conclusively. Therefore, this variant has been classified as Likely Pathogenic.

Literature cited by the submitters: PubMed 27779742 (cited by Labcorp Genetics (formerly Invitae), Labcorp); PubMed 32750235 (cited by Labcorp Genetics (formerly Invitae), Labcorp); PubMed 34055682 (cited by Labcorp Genetics (formerly Invitae), Labcorp).

NM_001040142.2(SCN2A):c.5637G>A (p.Met1879Ile)

Gene: SCN2A (sodium voltage-gated channel alpha subunit 2; plus strand). Cytogenetic location: 2q24.3.
Variant type: single nucleotide variant.
Coding change: c.5637G>A on transcript NM_001040142.2 (MANE Select); coding-DNA position 5637, G replaced by A.
Protein change: p.Met1879Ile; replaces methionine 1879 with isoleucine.
Molecular consequence: missense variant.
Genome position (GRCh38, 1-based): chr2:165,389,443, G>A. VCF-style: chr2-165389443-G-A. GRCh37 (hg19) VCF-style: chr2-166245953-G-A.
Other names: c.5637G>A, p.Met1879Ile (NM_001040143.2, NM_001371246.1, NM_001371247.1 and 1 more transcripts); short protein forms M1879I.
Identifiers: ClinVar variation 2933303 (VCV002933303.4), dbSNP rs2468159922, ClinGen allele CA349039612.
Genomic context (GRCh38, chr2:165,389,443, plus strand): 5'-TGCTTTTACAAAGCGTGTTTTGGGTGAGAGTGGAGAGATGGATGCCCTTCGAATACAGAT[G>A]GAAGAGCGATTCATGGCATCAAACCCCTCCAAAGTCTCTTATGAGCCCATTACGACCACG-3'
Protein context (NP_001035232.1, residues 1869-1889): SGEMDALRIQ[Met1879Ile]EERFMASNPS